The following is an entry in ClinVar:

NM_002485.5(NBN):c.2134C>G (p.His712Asp)

Gene: NBN (nibrin; minus strand). Cytogenetic location: 8q21.3.
Variant type: single nucleotide variant.
Coding change: c.2134C>G on transcript NM_002485.5 (MANE Select); coding-DNA position 2134, C replaced by G.
Protein change: p.His712Asp; replaces histidine 712 with aspartic acid.
Molecular consequence: missense variant.
Genome position (GRCh38, 1-based): chr8:89,943,303, G>C on the plus strand (C>G on the coding strand, the complement: NBN is on the minus strand). VCF-style: chr8-89943303-G-C. GRCh37 (hg19) VCF-style: chr8-90955531-G-C.
Other names: c.1888C>G, p.His630Asp (NM_001024688.3, NM_001440379.1, NM_001440380.1); short protein forms H712D, H630D.
Identifiers: ClinVar variation 5025399 (VCV005025399.1).

ClinVar aggregate classification (germline): Uncertain significance (1 of 4 stars; one submission).

Conditions:
Hereditary cancer-predisposing syndrome. Also called: Neoplastic Syndromes, Hereditary; Tumor predisposition; Hereditary neoplastic syndrome; Hereditary Cancer Syndrome. Identifiers: Orphanet 140162, MedGen C0027672, MeSH D009386, MONDO:0015356.

Submission:

Ambry Genetics
Classification: Uncertain significance for Hereditary cancer-predisposing syndrome. Last evaluated: 2026-07-06. Review status: criteria provided, single submitter. Criteria: Ambry Variant Classification Scheme 2023. Collection method: clinical testing. Allele origin: germline.
Comment: The p.H712D variant (also known as c.2134C>G), located in coding exon 14 of the NBN gene, results from a C to G substitution at nucleotide position 2134. The histidine at codon 712 is replaced by aspartic acid, an amino acid with similar properties. This amino acid position is conserved. In addition, this alteration is predicted to be tolerated by in silico analysis. Based on the available evidence, the clinical significance of this variant remains unclear.